The following is an entry in ClinVar:

ClinVar aggregate classification (germline): Uncertain significance (0 of 4 stars; one submission).

Conditions:
TBX3-related disorder. Also called: TBX3-related condition.

Submission:

PreventionGenetics, part of Exact Sciences
Classification: Uncertain significance for TBX3-related condition. Last evaluated: 2024-04-10. Review status: no assertion criteria provided. Collection method: clinical testing. Allele origin: germline.
Comment: The TBX3 c.2222C>G variant is predicted to result in the amino acid substitution p.Ala741Gly. To our knowledge, this variant has not been reported in the literature or in a large population database, indicating this variant is rare. At this time, the clinical significance of this variant is uncertain due to the absence of conclusive functional and genetic evidence.

NM_005996.4(TBX3):c.2162C>G (p.Ala721Gly)

Gene: TBX3 (T-box transcription factor 3; minus strand). Cytogenetic location: 12q24.21.
Variant type: single nucleotide variant.
Coding change: c.2162C>G on transcript NM_005996.4 (MANE Select); coding-DNA position 2162, C replaced by G.
Protein change: p.Ala721Gly; replaces alanine 721 with glycine.
Molecular consequence: missense variant.
Genome position (GRCh38, 1-based): chr12:114,671,851, G>C on the plus strand (C>G on the coding strand, the complement: TBX3 is on the minus strand). VCF-style: chr12-114671851-G-C. GRCh37 (hg19) VCF-style: chr12-115109656-G-C.
Other names: c.2222C>G, p.Ala741Gly (NM_016569.4); short protein forms A721G, A741G.
Identifiers: ClinVar variation 3345595 (VCV003345595.1).